The following is an entry in ClinVar:

NM_006415.4(SPTLC1):c.461A>C (p.Lys154Thr)

Gene: SPTLC1 (serine palmitoyltransferase long chain base subunit 1; minus strand). Cytogenetic location: 9q22.31.
Variant type: single nucleotide variant.
Coding change: c.461A>C on transcript NM_006415.4 (MANE Select); coding-DNA position 461, A replaced by C.
Protein change: p.Lys154Thr; replaces lysine 154 with threonine.
Molecular consequence: missense variant. On other transcripts: 5 prime UTR variant (1).
Genome position (GRCh38, 1-based): chr9:92,068,065, T>G on the plus strand (A>C on the coding strand, the complement: SPTLC1 is on the minus strand). VCF-style: chr9-92068065-T-G. GRCh37 (hg19) VCF-style: chr9-94830347-T-G.
Other names: c.461A>C, p.Lys154Thr (NM_001281303.2); c.95A>C, p.Lys32Thr (NM_001368272.1); c.-5A>C (NM_001368273.1); short protein forms K154T, K32T.
Identifiers: ClinVar variation 2962351 (VCV002962351.3), dbSNP rs2538446363, ClinGen allele CA373798901.
Genomic context (GRCh38, chr9:92,068,065, plus strand): 5'-GCACTGGCTATGGTGGCAAATCCATATGAGTATATAATGGCTTCTTCTGTCTTCATAAAT[T>G]TTGCCAGGCGGTCTTCCAAATCCAAATGAACATCTATTTCAGTTAAAAAAGTTAAATGGT-3'
Protein context (NP_006406.1, residues 144-164): VHLDLEDRLA[Lys154Thr]FMKTEEAIIY

ClinVar aggregate classification (germline): Uncertain significance (1 of 4 stars; one submission).

Conditions:
Hereditary sensory and autonomic neuropathy type 1 (HSAN1). Also called: HSAN 1; HSN Type I; Hereditary Sensory Neuropathy Type I. Identifiers: Orphanet 36386, MedGen C0020071, MONDO:0018213.

Allele frequency attached by ClinVar (database versions not stated): gnomAD exomes below 0.00001.
gnomAD v4.1: 2 of 1,614,066 alleles (0.00012%); highest among the groups gnomAD compares: Non-Finnish European, 0.00017%; no homozygotes.

Submission:

Labcorp Genetics (formerly Invitae), Labcorp
Classification: Uncertain significance for Hereditary sensory and autonomic neuropathy type 1. Last evaluated: 2023-12-13. Review status: criteria provided, single submitter. Criteria: Invitae Variant Classification Sherloc (09022015). Collection method: clinical testing. Allele origin: germline.
Comment: This sequence change replaces lysine, which is basic and polar, with threonine, which is neutral and polar, at codon 154 of the SPTLC1 protein (p.Lys154Thr). This variant is not present in population databases (gnomAD no frequency). This variant has not been reported in the literature in individuals affected with SPTLC1-related conditions. Advanced modeling of protein sequence and biophysical properties (such as structural, functional, and spatial information, amino acid conservation, physicochemical variation, residue mobility, and thermodynamic stability) performed at Invitae indicates that this missense variant is not expected to disrupt SPTLC1 protein function with a negative predictive value of 80%. In summary, the available evidence is currently insufficient to determine the role of this variant in disease. Therefore, it has been classified as a Variant of Uncertain Significance.